The following is an entry in ClinVar:

NM_000171.4(GLRA1):c.1001T>C (p.Phe334Ser)

Gene: GLRA1 (glycine receptor alpha 1; minus strand). Cytogenetic location: 5q33.1.
Variant type: single nucleotide variant.
Coding change: c.1001T>C on transcript NM_000171.4 (MANE Select); coding-DNA position 1001, T replaced by C.
Protein change: p.Phe334Ser; replaces phenylalanine 334 with serine.
Molecular consequence: missense variant.
Genome position (GRCh38, 1-based): chr5:151,828,979, A>G on the plus strand (T>C on the coding strand, the complement: GLRA1 is on the minus strand). VCF-style: chr5-151828979-A-G. GRCh37 (hg19) VCF-style: chr5-151208540-A-G.
Other names: c.1001T>C, p.Phe334Ser (NM_001146040.2); c.752T>C, p.Phe251Ser (NM_001292000.2); short protein forms F251S, F334S.
Identifiers: ClinVar variation 2119497 (VCV002119497.4), dbSNP rs2479903337, ClinGen allele CA361851487.

ClinVar aggregate classification (germline): Uncertain significance (1 of 4 stars; one submission).

Conditions:
Hereditary hyperekplexia. Identifiers: Orphanet 3197, MedGen C4084968, MONDO:0021022.

Submission:

Labcorp Genetics (formerly Invitae), Labcorp
Classification: Uncertain significance for Hereditary hyperekplexia. Last evaluated: 2022-08-16. Review status: criteria provided, single submitter. Criteria: Invitae Variant Classification Sherloc (09022015). Collection method: clinical testing. Allele origin: germline.
Comment: In summary, the available evidence is currently insufficient to determine the role of this variant in disease. Therefore, it has been classified as a Variant of Uncertain Significance. This variant is not present in population databases (gnomAD no frequency). This sequence change replaces phenylalanine, which is neutral and non-polar, with serine, which is neutral and polar, at codon 334 of the GLRA1 protein (p.Phe334Ser). This variant has not been reported in the literature in individuals affected with GLRA1-related conditions. Advanced modeling of protein sequence and biophysical properties (such as structural, functional, and spatial information, amino acid conservation, physicochemical variation, residue mobility, and thermodynamic stability) performed at Invitae indicates that this missense variant is expected to disrupt GLRA1 protein function.